The following is an entry in ClinVar:

NM_170606.3(KMT2C):c.11699C>T (p.Pro3900Leu)

Gene: KMT2C (lysine methyltransferase 2C; minus strand). Cytogenetic location: 7q36.1.
Variant type: single nucleotide variant.
Coding change: c.11699C>T on transcript NM_170606.3 (MANE Select); coding-DNA position 11699, C replaced by T.
Protein change: p.Pro3900Leu; replaces proline 3900 with leucine.
Molecular consequence: missense variant.
Genome position (GRCh38, 1-based): chr7:152,156,318, G>A on the plus strand (C>T on the coding strand, the complement: KMT2C is on the minus strand). VCF-style: chr7-152156318-G-A. GRCh37 (hg19) VCF-style: chr7-151853403-G-A.
Other names: short protein forms P3900L.
Identifiers: ClinVar variation 5008411 (VCV005008411.1).

ClinVar aggregate classification (germline): Uncertain significance (1 of 4 stars; one submission).

Submission:

GeneDx
Classification: Uncertain significance. Last evaluated: 2026-03-11. Review status: criteria provided, single submitter. Criteria: GeneDx Variant Classification Process June 2021. Collection method: clinical testing. Allele origin: germline.
Comment: Not observed at significant frequency in large population cohorts (gnomAD); In silico analysis supports that this missense variant has a deleterious effect on protein structure/function; Has not been previously published as pathogenic or benign to our knowledge